The following is an entry in ClinVar:

NM_032043.3(BRIP1):c.1326C>A (p.Cys442Ter)

Gene: BRIP1 (BRCA1 interacting DNA helicase 1; minus strand). Cytogenetic location: 17q23.2.
Variant type: single nucleotide variant.
Coding change: c.1326C>A on transcript NM_032043.3 (MANE Select); coding-DNA position 1326, C replaced by A.
Protein change: p.Cys442Ter; replaces cysteine 442 with a stop codon.
Molecular consequence: nonsense.
Genome position (GRCh38, 1-based): chr17:61,799,114, G>T on the plus strand (C>A on the coding strand, the complement: BRIP1 is on the minus strand). VCF-style: chr17-61799114-G-T. GRCh37 (hg19) VCF-style: chr17-59876475-G-T.
Other names: short protein forms C442*.
Identifiers: ClinVar variation 1390632 (VCV001390632.7), dbSNP rs2145300052, ClinGen allele CA400483369.
Genomic context (GRCh38, chr17:61,799,114, plus strand): 5'-TTCATATAAAGGCAGCACAAATACACTAATAGACAAATCTTCTTACTTAATGAGGCTACA[G>T]CACACAGCTCGTAGGGGTTCATGATCTTTCTTCCTTATATTATTGTTGACCATACTATCT-3'

ClinVar aggregate classification (germline): Pathogenic (1 of 4 stars; one submission).

Conditions:
Familial cancer of breast. Also called: BREAST CANCER, FAMILIAL; hereditary breast carcinoma; Hereditary breast cancer. Identifiers: Orphanet 227535, MedGen C0346153, MONDO:0016419, OMIM 114480. Disease mechanism: loss of function.
Fanconi anemia complementation group J. Also called: BRIP1-Related Fanconi Anemia. Identifiers: Orphanet 84, MedGen C1836860, MONDO:0012187, OMIM 609054.

Submission:

Labcorp Genetics (formerly Invitae), Labcorp
Classification: Pathogenic for Familial cancer of breast; Fanconi anemia complementation group J. Last evaluated: 2021-09-24. Review status: criteria provided, single submitter. Criteria: Invitae Variant Classification Sherloc (09022015). Collection method: clinical testing. Allele origin: germline.
Comment: This sequence change creates a premature translational stop signal (p.Cys442*) in the BRIP1 gene. It is expected to result in an absent or disrupted protein product. Loss-of-function variants in BRIP1 are known to be pathogenic (PMID: 16116423, 17033622, 21964575). This variant is not present in population databases (ExAC no frequency). This variant has not been reported in the literature in individuals affected with BRIP1-related conditions. For these reasons, this variant has been classified as Pathogenic.

Literature cited by the submitters: PubMed 16116423; PubMed 17033622; PubMed 21964575.